The following is an entry in ClinVar:

NM_001003800.2(BICD2):c.1865G>A (p.Arg622Gln)

Gene: BICD2 (BICD cargo adaptor 2; minus strand). Cytogenetic location: 9q22.31.
Variant type: single nucleotide variant.
Coding change: c.1865G>A on transcript NM_001003800.2 (MANE Select); coding-DNA position 1865, G replaced by A.
Protein change: p.Arg622Gln; replaces arginine 622 with glutamine.
Molecular consequence: missense variant.
Genome position (GRCh38, 1-based): chr9:92,718,780, C>T on the plus strand (G>A on the coding strand, the complement: BICD2 is on the minus strand). VCF-style: chr9-92718780-C-T. GRCh37 (hg19) VCF-style: chr9-95481062-C-T.
Other names: c.1865G>A, p.Arg622Gln (NM_015250.4); short protein forms R622Q.
Identifiers: ClinVar variation 2180734 (VCV002180734.4), dbSNP rs767576124, ClinGen allele CA5126465.

ClinVar aggregate classification (germline): Uncertain significance (1 of 4 stars; one submission).

Conditions:
Autosomal dominant childhood-onset proximal spinal muscular atrophy with contractures (SMALED2A). Also called: SPINAL MUSCULAR ATROPHY, LOWER EXTREMITY-PREDOMINANT, 2A, CHILDHOOD ONSET, AUTOSOMAL DOMINANT; Spinal muscular atrophy, lower extremity-predominant, 2A, autosomal dominant. Identifiers: Orphanet 363447, Orphanet 363454, MedGen C4747715, MONDO:0014121, OMIM 615290.

Allele frequency attached by ClinVar (database versions not stated): gnomAD 0.00001; ExAC 0.00002; gnomAD exomes 0.00002; TOPMed 0.00002.
gnomAD v4.1: 23 of 1,613,752 alleles (0.0014%); highest among the groups gnomAD compares: East Asian, 0.016%; no homozygotes.

Submission:

Labcorp Genetics (formerly Invitae), Labcorp
Classification: Uncertain significance for Autosomal dominant childhood-onset proximal spinal muscular atrophy with contractures. Last evaluated: 2024-10-15. Review status: criteria provided, single submitter. Criteria: Invitae Variant Classification Sherloc (09022015). Collection method: clinical testing. Allele origin: germline.
Comment: This sequence change replaces arginine, which is basic and polar, with glutamine, which is neutral and polar, at codon 622 of the BICD2 protein (p.Arg622Gln). This variant is present in population databases (rs767576124, gnomAD 0.01%). This variant has not been reported in the literature in individuals affected with BICD2-related conditions. ClinVar contains an entry for this variant (Variation ID: 2180734). Invitae Evidence Modeling of protein sequence and biophysical properties (such as structural, functional, and spatial information, amino acid conservation, physicochemical variation, residue mobility, and thermodynamic stability) indicates that this missense variant is not expected to disrupt BICD2 protein function with a negative predictive value of 80%. In summary, the available evidence is currently insufficient to determine the role of this variant in disease. Therefore, it has been classified as a Variant of Uncertain Significance.